The following is an entry in ClinVar:

NM_000051.4(ATM):c.5336G>T (p.Arg1779Ile)

Gene: ATM (ATM serine/threonine kinase; plus strand). Cytogenetic location: 11q22.3.
Variant type: single nucleotide variant.
Coding change: c.5336G>T on transcript NM_000051.4 (MANE Select); coding-DNA position 5336, G replaced by T.
Protein change: p.Arg1779Ile; replaces arginine 1779 with isoleucine.
Molecular consequence: missense variant.
Genome position (GRCh38, 1-based): chr11:108,302,869, G>T. VCF-style: chr11-108302869-G-T. GRCh37 (hg19) VCF-style: chr11-108173596-G-T.
Other names: c.5336G>T, p.Arg1779Ile (NM_001351834.2); short protein forms R1779I.
Identifiers: ClinVar variation 1746903 (VCV001746903.2), dbSNP rs2135927210, ClinGen allele CA382543118.

ClinVar aggregate classification (germline): Uncertain significance (1 of 4 stars; one submission).

Conditions:
Hereditary cancer-predisposing syndrome. Also called: Hereditary Cancer Syndrome; Neoplastic Syndromes, Hereditary; Tumor predisposition; Hereditary neoplastic syndrome. Identifiers: Orphanet 140162, MedGen C0027672, MeSH D009386, MONDO:0015356.

Submission:

Ambry Genetics
Classification: Uncertain significance for Hereditary cancer-predisposing syndrome. Last evaluated: 2019-09-22. Review status: criteria provided, single submitter. Criteria: Ambry Variant Classification Scheme 2023. Collection method: clinical testing. Allele origin: germline.
Comment: The p.R1779I variant (also known as c.5336G>T), located in coding exon 35 of the ATM gene, results from a G to T substitution at nucleotide position 5336. The arginine at codon 1779 is replaced by isoleucine, an amino acid with similar properties. This amino acid position is not well conserved in available vertebrate species. In addition, this alteration is predicted to be tolerated by in silico analysis. Since supporting evidence is limited at this time, the clinical significance of this alteration remains unclear.